The following is an entry in ClinVar:

ClinVar aggregate classification (germline): Likely benign. Review status: criteria provided, multiple submitters, no conflicts (2 of 4 stars). 2 submissions from 2 submitters: Likely benign (2). Last evaluated 2025-09-26.

Conditions:
HNSHA due to aldolase A deficiency (GSD12). Also called: GLYCOGEN STORAGE DISEASE XII; GSD XII; Glycogen storage disease due to aldolase A deficiency; RED CELL ALDOLASE DEFICIENCY. Identifiers: Orphanet 57, MedGen C0272066, MONDO:0012747, OMIM 611881.

Allele frequency attached by ClinVar (database versions not stated): gnomAD 0.00014; TOPMed 0.00014; ESP Exome Variant Server 0.00015; 1000 Genomes Project 30x 0.00016; 1000 Genomes Project 0.00020; gnomAD exomes 0.00040 and 0.00013; ExAC 0.00011.
gnomAD v4.1: 583 of 1,612,988 alleles (0.036%); highest among the groups gnomAD compares: Non-Finnish European, 0.049%; no homozygotes.

Submissions (2):

Labcorp Genetics (formerly Invitae), Labcorp
Classification: Likely benign for HNSHA due to aldolase A deficiency. Last evaluated: 2025-09-26. Review status: criteria provided, single submitter. Criteria: Invitae Variant Classification Sherloc (09022015). Collection method: clinical testing. Allele origin: germline.

GeneDx
Classification: Likely benign. Last evaluated: 2017-04-08. Review status: criteria provided, single submitter. Criteria: GeneDx Variant Classification (06012015). Collection method: clinical testing. Allele origin: germline. Affected: yes.
Comment: This variant is considered likely benign or benign based on one or more of the following criteria: it is a conservative change, it occurs at a poorly conserved position in the protein, it is predicted to be benign by multiple in silico algorithms, and/or has population frequency not consistent with disease.

NM_001243177.4(ALDOA):c.961+12A>G

Genes: ALDOA (aldolase, fructose-bisphosphate A; plus strand), LOC112694756 (uncharaterized LOC112694756; plus strand). Cytogenetic location: 16p11.2.
Variant type: single nucleotide variant.
Coding change: c.961+12A>G on transcript NM_001243177.4 (MANE Select); 12 bases into the intron after coding-DNA position 961, A replaced by G.
Molecular consequence: intron variant.
Genome position (GRCh38, 1-based): chr16:30,069,685, A>G. VCF-style: chr16-30069685-A-G. GRCh37 (hg19) VCF-style: chr16-30081006-A-G.
Other names: c.*1308+12A>G (NM_001365307.2, NM_001365305.2, NM_001365304.2); c.799+12A>G (NM_184043.2, NM_001127617.2, NM_184041.5).
Identifiers: ClinVar variation 508753 (VCV000508753.9), dbSNP rs200733968, ClinGen allele CA8001135.
Genomic context (GRCh38, chr16:30,069,685, plus strand): 5'-ATGGCGACCGTCACAGCGCTGCGCCGCACAGTGCCCCCCGCTGTCACTGGTGAGGCCCAC[A>G]CTCATCTTGATCTCTATGCAGTAGATAAGCTCCACCCACAACCCTATGCCCATTTGGACG-3'